The following is an entry in ClinVar:

ClinVar aggregate classification (germline): Uncertain significance (1 of 4 stars; one submission).

gnomAD v4.1: 95 of 1,614,026 alleles (0.0059%); highest among the groups gnomAD compares: African/African-American, 0.016%; no homozygotes.

Submission:

Labcorp Genetics (formerly Invitae), Labcorp
Classification: Uncertain significance. Last evaluated: 2024-08-05. Review status: criteria provided, single submitter. Criteria: Invitae Variant Classification Sherloc (09022015). Collection method: clinical testing. Allele origin: germline.
Comment: This sequence change replaces glutamic acid, which is acidic and polar, with lysine, which is basic and polar, at codon 269 of the FCHO1 protein (p.Glu269Lys). This variant is present in population databases (rs770875917, gnomAD 0.02%). This variant has not been reported in the literature in individuals affected with FCHO1-related conditions. An algorithm developed to predict the effect of missense changes on protein structure and function (PolyPhen-2) suggests that this variant¬†is likely to be tolerated. In summary, the available evidence is currently insufficient to determine the role of this variant in disease. Therefore, it has been classified as a Variant of Uncertain Significance.

NM_015122.3(FCHO1):c.805G>A (p.Glu269Lys)

Gene: FCHO1 (FCH and mu domain containing endocytic adaptor 1; plus strand). Cytogenetic location: 19p13.11.
Variant type: single nucleotide variant.
Coding change: c.805G>A on transcript NM_015122.3 (MANE Select); coding-DNA position 805, G replaced by A.
Protein change: p.Glu269Lys; replaces glutamic acid 269 with lysine.
Molecular consequence: missense variant. On other transcripts: non-coding transcript variant (36), intron variant (1).
Genome position (GRCh38, 1-based): chr19:17,774,253, G>A. VCF-style: chr19-17774253-G-A. GRCh37 (hg19) VCF-style: chr19-17885062-G-A.
Other names: c.805G>A, p.Glu269Lys (NM_001161357.2, NM_001161358.2, NM_001384370.1 and 25 more transcripts); c.655G>A, p.Glu219Lys (NM_001161359.2, NM_001384384.1, NM_001384385.1 and 3 more transcripts); c.766G>A, p.Glu256Lys (NM_001384388.1, NM_001384389.1, NM_001384405.1); c.730G>A, p.Glu244Lys (NM_001384390.1); c.791-141G>A (NM_001384403.1); short protein forms E256K, E219K, E244K, E269K.
Identifiers: ClinVar variation 3709505 (VCV003709505.1).